The following is an entry in ClinVar:

ClinVar aggregate classification (germline): Conflicting classifications of pathogenicity. Review status: criteria provided, conflicting classifications (1 of 4 stars). 2 submissions from 2 submitters: Uncertain significance (1); Likely benign (1). Last evaluated 2025-08-09.

Conditions:
RASopathy. Also called: rasopathies; Noonan spectrum disorder. Identifiers: Orphanet 536391, MedGen C5555857, MONDO:0021060.
Cardiovascular phenotype. Identifiers: MedGen CN230736.

Allele frequency attached by ClinVar (database versions not stated): gnomAD 0.00001; 1000 Genomes Project 0.00020; 1000 Genomes Project 30x 0.00031; ExAC 0.00007.
gnomAD v4.1: 21 of 1,605,432 alleles (0.0013%); highest among the groups gnomAD compares: South Asian, 0.022%; no homozygotes.

Submissions (2):

Labcorp Genetics (formerly Invitae), Labcorp
Classification: Likely benign for RASopathy. Last evaluated: 2025-08-09. Review status: criteria provided, single submitter. Criteria: Invitae Variant Classification Sherloc (09022015). Collection method: clinical testing. Allele origin: germline.

Ambry Genetics
Classification: Uncertain significance for Cardiovascular phenotype. Last evaluated: 2025-01-20. Review status: criteria provided, single submitter. Criteria: Ambry Variant Classification Scheme 2023. Collection method: clinical testing. Allele origin: germline.
Comment: The p.P707L variant (also known as c.2120C>T), located in coding exon 13 of the CBL gene, results from a C to T substitution at nucleotide position 2120. The proline at codon 707 is replaced by leucine, an amino acid with similar properties. This amino acid position is conserved. In addition, this alteration is predicted to be deleterious by in silico analysis. Based on the available evidence, the clinical significance of this variant remains unclear.

NM_005188.4(CBL):c.2120C>T (p.Pro707Leu)

Gene: CBL (Cbl proto-oncogene; plus strand). Cytogenetic location: 11q23.3.
Variant type: single nucleotide variant.
Coding change: c.2120C>T on transcript NM_005188.4 (MANE Select); coding-DNA position 2120, C replaced by T.
Protein change: p.Pro707Leu; replaces proline 707 with leucine.
Molecular consequence: missense variant.
Genome position (GRCh38, 1-based): chr11:119,297,001, C>T. VCF-style: chr11-119297001-C-T. GRCh37 (hg19) VCF-style: chr11-119167711-C-T.
Other names: c.2120C>T (NM_005188.2); short protein forms P707L.
Identifiers: ClinVar variation 2031948 (VCV002031948.5), dbSNP rs576175174, ClinGen allele CA6318684.